The following is an entry in ClinVar:

NM_020778.5(ALPK3):c.511A>T (p.Thr171Ser)

Gene: ALPK3 (alpha kinase 3; plus strand). Cytogenetic location: 15q25.3.
Variant type: single nucleotide variant.
Coding change: c.511A>T on transcript NM_020778.5 (MANE Select); coding-DNA position 511, A replaced by T.
Protein change: p.Thr171Ser; replaces threonine 171 with serine.
Molecular consequence: missense variant.
Genome position (GRCh38, 1-based): chr15:84,839,790, A>T. VCF-style: chr15-84839790-A-T. GRCh37 (hg19) VCF-style: chr15-85383021-A-T.
Other names: short protein forms T171S.
Identifiers: ClinVar variation 3728198 (VCV003728198.2).
Genomic context (GRCh38, chr15:84,839,790, plus strand): 5'-CAGGCCTCTGCCCAGAACAGCAAGGGCATTGTGTCCTGCTCAGGGGTCCTGGAGGTGGGC[A>T]CCATGACTGAGTACAAGATCCACCAGCGCTGGTTCGCCAAGTTGAAGCGCAAGGCTGCGG-3'
Protein context (NP_065829.4, residues 161-181): VSCSGVLEVG[Thr171Ser]MTEYKIHQRW

ClinVar aggregate classification (germline): Uncertain significance (1 of 4 stars; one submission).

Submission:

Labcorp Genetics (formerly Invitae), Labcorp
Classification: Uncertain significance. Last evaluated: 2025-02-05. Review status: criteria provided, single submitter. Criteria: Invitae Variant Classification Sherloc (09022015). Collection method: clinical testing. Allele origin: germline.
Comment: This sequence change replaces threonine, which is neutral and polar, with serine, which is neutral and polar, at codon 373 of the ALPK3 protein (p.Thr373Ser). This variant is not present in population databases (gnomAD no frequency). This variant has not been reported in the literature in individuals affected with ALPK3-related conditions. An algorithm developed to predict the effect of missense changes on protein structure and function (PolyPhen-2) suggests that this variant is likely to be disruptive. In summary, the available evidence is currently insufficient to determine the role of this variant in disease. Therefore, it has been classified as a Variant of Uncertain Significance.